The following is an entry in ClinVar:

NM_130837.3(OPA1):c.804_805del (p.Lys269fs)

Gene: OPA1 (OPA1 mitochondrial dynamin like GTPase; plus strand). Cytogenetic location: 3q29.
Variant type: Microsatellite.
Coding change: c.804_805del on transcript NM_130837.3 (MANE Select); coding-DNA positions 804 to 805, 2 bases deleted (GA; older notation c.804_805delGA).
Protein change: p.Lys269fs; shifts the reading frame from lysine 269.
Molecular consequence: frameshift variant.
Genome position (GRCh38, 1-based): chr3:193,631,626-193,631,627, GA deleted; deleting any 2 consecutive bases within chr3:193,631,623-193,631,627 gives the same sequence; the c. name uses the placement nearest the transcript's 3' end. VCF-style (leftmost placement, unchanged base first): chr3-193631622-AAG-A. GRCh37 (hg19) VCF-style: chr3-193349411-AAG-A.
Other names: c.270_271del, p.Lys91fs (NM_001354663.2); c.267_268del, p.Lys90fs (NM_001354664.2); c.639_640del, p.Lys214fs (NM_015560.3); c.531_532del, p.Lys178fs (NM_130831.3); c.585_586del, p.Lys196fs (NM_130832.3); c.642_643del, p.Lys215fs (NM_130833.3); c.693_694del, p.Lys232fs (NM_130834.3); c.696_697del, p.Lys233fs (NM_130835.3); and 2 more; short protein forms K178fs, K196fs, K251fs, K90fs, K215fs, K232fs, K233fs, K214fs.
Identifiers: ClinVar variation 214918 (VCV000214918.7), dbSNP rs863224142, ClinGen allele CA321027.

ClinVar aggregate classification (germline): Pathogenic. Review status: criteria provided, multiple submitters, no conflicts (2 of 4 stars). 4 submissions from 4 submitters: Pathogenic (4). Last evaluated 2024-10-14.

Conditions:
OPA1-related disorder. Also called: OPA1-related condition; OPA1-related disorders.

Submissions (4):

Blueprint Genetics
Classification: Pathogenic for OPA1-related disorders. Last evaluated: 2024-10-14. Review status: criteria provided, single submitter. Criteria: ACMG Guidelines, 2015. Collection method: clinical testing. Allele origin: germline. Affected: yes. Observed: 2 variant alleles.

Athena Diagnostics
Classification: Pathogenic. Last evaluated: 2019-07-16. Review status: criteria provided, single submitter. Criteria: Athena Diagnostics Criteria. Collection method: clinical testing. Allele origin: germline.
Comment: The variant results in a shift of the reading frame, and is therefore predicted to result in the loss of a functional protein. Found in at least one symptomatic patient, and not found in general population data.

Eurofins Ntd Llc (ga)
Classification: Pathogenic. Last evaluated: 2018-06-13. Review status: criteria provided, single submitter. Criteria: EGL ClinVar v180209 classification definitions. Collection method: clinical testing. Allele origin: germline. Observed: 1 variant allele, 1 heterozygote.

GeneDx
Classification: Pathogenic. Last evaluated: 2014-05-12. Review status: criteria provided, single submitter. Criteria: GeneDx Variant Classification (06012015). Collection method: clinical testing. Allele origin: germline. Affected: yes.
Comment: c.639_640delGA: p.Lys214AsnfsX2 (K214NfsX2) in exon 6 of the OPA1 gene (NM_015560.2). The normal sequence with the bases that are deleted in braces is: AAGA{GA}AAAT. The c.639_640delGA mutation in the OPA1 gene has been reported previously in association with autosomal dominant optic atrophy (ADOA) (Yu-Wai-Man et al., 2011). The deletion causes a frameshift starting with codon Lysine 214, changes this amino acid to an Asparagine residue and creates a premature Stop codon at position 2 of the new reading frame, denoted p.Lys214AsnfsX2. This mutation is predicted to cause loss of normal protein function either through protein truncation or nonsense-mediated mRNA decay. The variant is found in OAPEO-MITOP panel(s).

Literature cited by the submitters: PubMed 20417570 (cited by Athena Diagnostics).